The following is an entry in ClinVar:

ClinVar aggregate classification (germline): Pathogenic (1 of 4 stars; one submission).

Submission:

GeneDx
Classification: Pathogenic. Last evaluated: 2026-02-01. Review status: criteria provided, single submitter. Criteria: GeneDx Variant Classification Process June 2021. Collection method: clinical testing. Allele origin: germline.
Comment: Frameshift variant predicted to result in protein truncation or nonsense mediated decay in a gene for which loss of function is a known mechanism of disease; Not observed at significant frequency in large population cohorts (gnomAD); Has not been previously published as pathogenic or benign to our knowledge

NM_016312.3(WBP11):c.1028del (p.Pro343fs)

Gene: WBP11 (WW domain binding protein 11; minus strand). Cytogenetic location: 12p12.3.
Variant type: Deletion.
Coding change: c.1028del on transcript NM_016312.3 (MANE Select); coding-DNA position 1028, one base deleted (C; older notation c.1028delC).
Protein change: p.Pro343fs; shifts the reading frame from proline 343.
Molecular consequence: frameshift variant.
Genome position (GRCh38, 1-based): chr12:14,790,737, G deleted on the plus strand (C on the coding strand, the reverse complement: WBP11 is on the minus strand); the first of 3 consecutive G bases (chr12:14,790,737-14,790,739); deleting any one gives the same sequence. VCF-style (leftmost placement, unchanged base first): chr12-14790736-AG-A. GRCh37 (hg19) VCF-style: chr12-14943670-AG-A.
Other names: short protein forms P343fs.
Identifiers: ClinVar variation 4975168 (VCV004975168.1).
Genomic context (GRCh38, chr12:14,790,736, plus strand): 5'-GTCATCAGAATCATCTTCATCATCGTCCTCTGAAAATTCCTCTACTTCCCGTCCCTCCTC[AG>A]GGATTTCTTGACCTGAAAGAAATTTTAAACCCAGTAAATGGAGTTGATTCATTTTCTTAC-3'